The following is an entry in ClinVar:

ClinVar aggregate classification (germline): Uncertain significance. Review status: criteria provided, multiple submitters, no conflicts (2 of 4 stars). 2 submissions from 2 submitters: Uncertain significance (2). Last evaluated 2023-06-29.

Conditions:
Nephronophthisis. Also called: Juvenile Nephronophthisis. Identifiers: Orphanet 655, MedGen C0687120, MONDO:0019005, HP:0000090.
Inborn genetic diseases. Identifiers: MedGen C0950123, MeSH D030342.

Allele frequency attached by ClinVar (database versions not stated): gnomAD 0.00001; TOPMed 0.00002.
gnomAD v4.1: 6 of 1,613,538 alleles (0.00037%); highest among the groups gnomAD compares: Admixed American, 0.0017%; no homozygotes.

Submissions (2):

Ambry Genetics
Classification: Uncertain significance for Inborn genetic diseases. Last evaluated: 2023-06-29. Review status: criteria provided, single submitter. Criteria: Ambry Variant Classification Scheme 2023. Collection method: clinical testing. Allele origin: germline.

Labcorp Genetics (formerly Invitae), Labcorp
Classification: Uncertain significance for Nephronophthisis. Last evaluated: 2022-08-21. Review status: criteria provided, single submitter. Criteria: Invitae Variant Classification Sherloc (09022015). Collection method: clinical testing. Allele origin: germline.
Comment: In summary, the available evidence is currently insufficient to determine the role of this variant in disease. Therefore, it has been classified as a Variant of Uncertain Significance. Algorithms developed to predict the effect of missense changes on protein structure and function output the following: SIFT: "Tolerated"; PolyPhen-2: "Benign"; Align-GVGD: "Class C0". The histidine amino acid residue is found in multiple mammalian species, which suggests that this missense change does not adversely affect protein function. This variant has not been reported in the literature in individuals affected with NPHP4-related conditions. The frequency data for this variant in the population databases is considered unreliable, as metrics indicate poor data quality at this position in the gnomAD database. This sequence change replaces arginine, which is basic and polar, with histidine, which is basic and polar, at codon 857 of the NPHP4 protein (p.Arg857His).

NM_015102.5(NPHP4):c.2570G>A (p.Arg857His)

Gene: NPHP4 (nephrocystin 4; minus strand). Cytogenetic location: 1p36.31.
Variant type: single nucleotide variant.
Coding change: c.2570G>A on transcript NM_015102.5 (MANE Select); coding-DNA position 2570, G replaced by A.
Protein change: p.Arg857His; replaces arginine 857 with histidine.
Molecular consequence: missense variant. On other transcripts: non-coding transcript variant (1).
Genome position (GRCh38, 1-based): chr1:5,880,155, C>T on the plus strand (G>A on the coding strand, the complement: NPHP4 is on the minus strand). VCF-style: chr1-5880155-C-T. GRCh37 (hg19) VCF-style: chr1-5940215-C-T.
Other names: c.1031G>A, p.Arg344His (NM_001291593.2); c.1034G>A, p.Arg345His (NM_001291594.2); c.2570G>A (NM_015102.3); short protein forms R344H, R345H, R857H.
Identifiers: ClinVar variation 1717326 (VCV001717326.7), dbSNP rs959762813, ClinGen allele CA17139454.